The following is an entry in ClinVar:

ClinVar aggregate classification (germline): Likely pathogenic (1 of 4 stars; one submission).

Conditions:
Polycystic liver disease 3 with or without kidney cysts. Identifiers: MedGen C4693472, MONDO:0054743, OMIM 617874.

Submission:

MVZ Medizinische Genetik Mainz
Classification: Likely pathogenic for Polycystic liver disease 3 with or without kidney cysts. Last evaluated: 2026-08-25. Review status: criteria provided, single submitter. Criteria: UK Practice Guidelines For Variant Classification V4 01 2020. Collection method: clinical testing. Allele origin: germline. Inheritance: Autosomal dominant inheritance. Affected: yes. Observed: 1 variant allele.
Comment: ACMG Criteria: PVS1,PM2_SUP

NM_024079.5(ALG8):c.1178+1G>C

Gene: ALG8 (ALG8 alpha-1,3-glucosyltransferase; minus strand). Cytogenetic location: 11q14.1.
Variant type: single nucleotide variant.
Coding change: c.1178+1G>C on transcript NM_024079.5 (MANE Select); the canonical splice donor site of the intron after coding-DNA position 1178, G replaced by C.
Molecular consequence: splice donor variant. On other transcripts: intron variant (2).
Genome position (GRCh38, 1-based): chr11:78,106,806, C>G on the plus strand (G>C on the coding strand, the complement: ALG8 is on the minus strand). VCF-style: chr11-78106806-C-G. GRCh37 (hg19) VCF-style: chr11-77817852-C-G.
Other names: c.914+1G>C (NM_001425234.1, NM_001425239.1); c.977+1G>C (NM_001425231.1); c.851+1G>C (NM_001425235.1); c.1025+1G>C (NM_001425226.1, NM_001425236.1); c.1163+1G>C (NM_001425220.1); c.662+1G>C (NM_001425241.1); c.686+1G>C (NM_001425240.1); c.623+1G>C (NM_001425242.1); and 10 more.
Identifiers: ClinVar variation 5010158 (VCV005010158.1).